The following is an entry in ClinVar:

ClinVar aggregate classification (germline): Uncertain significance (1 of 4 stars; one submission).

Conditions:
Combined immunodeficiency due to ORAI1 deficiency. Also called: IMMUNODEFICIENCY 9. Identifiers: Orphanet 169090, Orphanet 317428, MedGen C2748568, MONDO:0013007, OMIM 612782.
Myopathy, tubular aggregate, 2 (TAM2). Identifiers: MedGen C4014557, MONDO:0014383, OMIM 615883.

Submission:

Labcorp Genetics (formerly Invitae), Labcorp
Classification: Uncertain significance for Myopathy, tubular aggregate, 2; Combined immunodeficiency due to ORAI1 deficiency. Last evaluated: 2023-08-07. Review status: criteria provided, single submitter. Criteria: Invitae Variant Classification Sherloc (09022015). Collection method: clinical testing. Allele origin: germline.
Comment: This sequence change creates a premature translational stop signal (p.Ser19Lysfs*69) in the ORAI1 gene. It is expected to result in an absent or disrupted protein product. However, the current clinical and genetic evidence is not sufficient to establish whether loss-of-function variants in ORAI1 cause disease. In summary, the available evidence is currently insufficient to determine the role of this variant in disease. Therefore, it has been classified as a Variant of Uncertain Significance. ClinVar contains an entry for this variant (Variation ID: 2082528). This variant has not been reported in the literature in individuals affected with ORAI1-related conditions. This variant is not present in population databases (gnomAD no frequency).

NM_032790.4(ORAI1):c.53dup (p.Ser19Lysfs)

Genes: ORAI1 (ORAI calcium release-activated calcium modulator 1; plus strand), LOC130008987 (ATAC-STARR-seq lymphoblastoid silent region 4981; plus strand). Cytogenetic location: 12q24.31.
Variant type: Duplication.
Coding change: c.53dup on transcript NM_032790.4 (MANE Select); coding-DNA position 53, one base duplicated (C; older notation c.53dupC).
Protein change: p.Ser19Lysfs; shifts the reading frame from serine 19.
Genome position (GRCh38, 1-based): chr12:121,626,795, C duplicated; the last of 5 consecutive C bases (chr12:121,626,791-121,626,795); duplicating any one gives the same sequence. VCF-style (leftmost placement, unchanged base first): chr12-121626790-T-TC. GRCh37 (hg19) VCF-style: chr12-122064695-T-TC.
Other names: short protein forms S19fs.
Identifiers: ClinVar variation 2082528 (VCV002082528.4), dbSNP rs1555322482, ClinGen allele CA2575325689.
Genomic context (GRCh38, chr12:121,626,790, plus strand): 5'-GGCGGCGTGCTCCATGCATCCGGAGCCCGCCCCGCCCCCGAGCCGCAGCAGTCCCGAGCT[T>TC]CCCCCAAGCGGCGGCAGCACCACCAGCGGCAGCCGCCGGAGCCGCCGCCGCAGCGGGGAC-3'